The following is an entry in ClinVar:

NM_004655.4(AXIN2):c.2293G>C (p.Val765Leu)

Gene: AXIN2 (axin 2; minus strand). Cytogenetic location: 17q24.1.
Variant type: single nucleotide variant.
Coding change: c.2293G>C on transcript NM_004655.4 (MANE Select); coding-DNA position 2293, G replaced by C.
Protein change: p.Val765Leu; replaces valine 765 with leucine.
Molecular consequence: missense variant.
Genome position (GRCh38, 1-based): chr17:65,534,024, C>G on the plus strand (G>C on the coding strand, the complement: AXIN2 is on the minus strand). VCF-style: chr17-65534024-C-G. GRCh37 (hg19) VCF-style: chr17-63530142-C-G.
Other names: c.2098G>C, p.Val700Leu (NM_001363813.1); short protein forms V700L, V765L.
Identifiers: ClinVar variation 2747994 (VCV002747994.3), dbSNP rs2509389683, ClinGen allele CA400675570.

ClinVar aggregate classification (germline): Uncertain significance (1 of 4 stars; one submission).

Conditions:
Oligodontia-cancer predisposition syndrome. Also called: TOOTH AGENESIS-COLORECTAL CANCER SYNDROME. Identifiers: Orphanet 300576, MedGen C1837750, MONDO:0012075, OMIM 608615. Disease mechanism: loss of function.

Submission:

Labcorp Genetics (formerly Invitae), Labcorp
Classification: Uncertain significance for Oligodontia-cancer predisposition syndrome. Last evaluated: 2025-10-01. Review status: criteria provided, single submitter. Criteria: Invitae Variant Classification Sherloc (09022015). Collection method: clinical testing. Allele origin: germline.
Comment: This sequence change replaces valine, which is neutral and non-polar, with leucine, which is neutral and non-polar, at codon 765 of the AXIN2 protein (p.Val765Leu). This variant is not present in population databases (gnomAD no frequency). This variant has not been reported in the literature in individuals affected with AXIN2-related conditions. ClinVar contains an entry for this variant (Variation ID: 2747994). Invitae Evidence Modeling of protein sequence and biophysical properties (such as structural, functional, and spatial information, amino acid conservation, physicochemical variation, residue mobility, and thermodynamic stability) indicates that this missense variant is expected to disrupt AXIN2 protein function with a positive predictive value of 80%. In summary, the available evidence is currently insufficient to determine the role of this variant in disease. Therefore, it has been classified as a Variant of Uncertain Significance.